The following is an entry in ClinVar:

ClinVar aggregate classification (germline): Uncertain significance. Review status: criteria provided, single submitter (1 of 4 stars). 2 submissions from 2 submitters: Uncertain significance (1). 1 of the submissions does not count toward it. Last evaluated 2022-07-25.

Conditions:
Glycogen storage disease type III (GSD3). Also called: FORBES DISEASE; Cori disease. Identifiers: Orphanet 366, MedGen C0017922, MONDO:0009291, OMIM 232400.

Allele frequency attached by ClinVar (database versions not stated): TOPMed below 0.00001; gnomAD 0.00001.
gnomAD v4.1: 1 of 1,613,400 alleles (0.000062%); highest among the groups gnomAD compares: Non-Finnish European, 0.000085%; no homozygotes.

Submissions (2):

Labcorp Genetics (formerly Invitae), Labcorp
Classification: Uncertain significance for Glycogen storage disease type III. Last evaluated: 2022-07-25. Review status: criteria provided, single submitter. Criteria: Invitae Variant Classification Sherloc (09022015). Collection method: clinical testing. Allele origin: germline.
Comment: This sequence change replaces proline, which is neutral and non-polar, with leucine, which is neutral and non-polar, at codon 70 of the AGL protein (p.Pro70Leu). This variant is not present in population databases (gnomAD no frequency). This variant has not been reported in the literature in individuals affected with AGL-related conditions. ClinVar contains an entry for this variant (Variation ID: 1054285). Algorithms developed to predict the effect of missense changes on protein structure and function (SIFT, PolyPhen-2, Align-GVGD) all suggest that this variant is likely to be tolerated. In summary, the available evidence is currently insufficient to determine the role of this variant in disease. Therefore, it has been classified as a Variant of Uncertain Significance.

Natera, Inc.
Classification: Uncertain significance for Glycogen storage disease type III. Last evaluated: 2021-05-23. Review status: no assertion criteria provided. Collection method: clinical testing. Allele origin: germline. Not counted in ClinVar's aggregate classification.

NM_000642.3(AGL):c.209C>T (p.Pro70Leu)

Gene: AGL (amylo-alpha-1,6-glucosidase and 4-alpha-glucanotransferase; plus strand). Cytogenetic location: 1p21.2.
Variant type: single nucleotide variant.
Coding change: c.209C>T on transcript NM_000642.3 (MANE Select); coding-DNA position 209, C replaced by T.
Protein change: p.Pro70Leu; replaces proline 70 with leucine.
Molecular consequence: missense variant.
Genome position (GRCh38, 1-based): chr1:99,861,629, C>T. VCF-style: chr1-99861629-C-T. GRCh37 (hg19) VCF-style: chr1-100327185-C-T.
Other names: c.209C>T, p.Pro70Leu (NM_000028.3, NM_000643.3, NM_000644.3 and 5 more transcripts); c.161C>T, p.Pro54Leu (NM_000646.3); short protein forms P54L, P70L.
Identifiers: ClinVar variation 1054285 (VCV001054285.10), dbSNP rs1299427640, ClinGen allele CA341329509.
Genomic context (GRCh38, chr1:99,861,629, plus strand): 5'-ACCCATTTCCTGGAGAAACATTTAATAGAGAAAAATTCCGTTCTCTGGATTGGGAAAATC[C>T]AACAGAAAGAGAAGATGATTCTGATAAATACTGTAAACTTAATCTGCAACAATCTGGTTC-3'
Protein context (NP_000633.2, residues 60-80): EKFRSLDWEN[Pro70Leu]TEREDDSDKY